The following is an entry in ClinVar:

NM_000518.5(HBB):c.323dup (p.Asn109fs)

Genes: HBB (hemoglobin subunit beta; minus strand), LOC107133510 (origin of replication at HBB; plus strand), LOC110006319 (beta-globin gene 3' regulatory region; plus strand). Cytogenetic location: 11p15.4.
Variant type: Duplication.
Coding change: c.323dup on transcript NM_000518.5 (MANE Select); coding-DNA position 323, one base duplicated (G; older notation c.323dupG).
Protein change: p.Asn109fs; shifts the reading frame from asparagine 109.
Molecular consequence: frameshift variant.
Genome position (GRCh38, 1-based): chr11:5,225,719, C duplicated on the plus strand (G on the coding strand, the reverse complement: HBB is on the minus strand); the first of 3 consecutive C bases (chr11:5,225,719-5,225,721); duplicating any one gives the same sequence. VCF-style (leftmost placement, unchanged base first): chr11-5225718-G-GC. GRCh37 (hg19) VCF-style: chr11-5246948-G-GC.
Other names: CD 106/107 (+G); c.323dupG (NM_000518.4, NM_000518.5); c.323dup (NM_000518.4); short protein forms N109fs.
Identifiers: ClinVar variation 439153 (VCV000439153.114), dbSNP rs35225141, ClinGen allele CA210558.

ClinVar aggregate classification (germline): Pathogenic. Review status: criteria provided, multiple submitters, no conflicts (2 of 4 stars). 10 submissions from 10 submitters: Pathogenic (8). 2 of the submissions do not count toward it. Last evaluated 2026-03-23.

Conditions:
Heinz body anemia. Also called: Heinz body hemolytic anemia. Identifiers: Orphanet 178330, MedGen C0700299, MONDO:0007705, OMIM 140700, HP:0005511.
Hb SS disease (SCD). Also called: Hemoglobin SS; Sickle cell anemia; Sickle cell disease; HbS disease; Hemoglobin S Disease; Sickling disorder due to hemoglobin S. Identifiers: Orphanet 232, Orphanet 275752, MedGen C0002895, MONDO:0011382, OMIM 603903.
METHEMOGLOBINEMIA, BETA TYPE. Also called: Methemoglobinemia, beta-globin type. Identifiers: MedGen C1840779, OMIM 617971.
Hereditary persistence of fetal hemoglobin. Identifiers: MedGen C0019025, MONDO:0020989, OMIM 141749.
Beta-thalassemia HBB/LCRB. Identifiers: MedGen CN322236, MONDO:0013517, OMIM 613985.
Dominant beta-thalassemia. Also called: Beta-thalassemia, dominant inclusion body type. Identifiers: Orphanet 231226, Orphanet 848, MedGen C1858990, MONDO:0011381, OMIM 603902.
Malaria, susceptibility to. Identifiers: Orphanet 673, MedGen C1970028, MONDO:0021024, OMIM 611162.
Erythrocytosis, familial, 6. Also called: ERYTHROCYTOSIS, BETA-GLOBIN TYPE; POLYCYTHEMIA, BETA-GLOBIN TYPE. Identifiers: MedGen C4693822, MONDO:0054801, OMIM 617980.
beta Thalassemia (BTHAL). Also called: Cooley's anemia; Erythroblastic anemia; Mediterranean anemia. Identifiers: Orphanet 848, MedGen C0005283, MONDO:0019402. Disease mechanism: loss of function.
Beta zero thalassemia. Identifiers: MedGen C0271980.
HBB-related disorder. Also called: HBB-related condition; HBB-related disorders. Identifiers: MedGen CN239378.

Submissions (10):

PreventionGenetics, part of Exact Sciences
Classification: Pathogenic for HBB-related condition. Last evaluated: 2026-03-23. Review status: criteria provided, single submitter. Criteria: ACMG Guidelines, 2015. Collection method: clinical testing. Allele origin: germline.
Comment: The HBB c.323dupG variant is predicted to result in a frameshift and premature protein termination (p.Asn109Glnfs*32). This variant is a known variant reported in association with beta thalassaemia (Wong et al. 1987. PubMed ID: 3683554; Hoppe. 2013. PubMed ID: 23590658). This variant is reported in 0.0040% of alleles in individuals of African descent in gnomAD. Frameshift variants in HBB are expected to be pathogenic. This variant is interpreted as pathogenic.

Natera, Inc.
Classification: Pathogenic for Beta thalassemia. Last evaluated: 2025-12-08. Review status: criteria provided, single submitter. Criteria: Natera Variant Classification Schema (03/2026). Collection method: clinical testing. Allele origin: germline.
Comment: The c.323dupG variant in HBB is a frameshift variant predicted to shift the reading frame beginning at codon 109 and leads to a stop codon 32 codons downstream. This variant is expected to result in nonsense mediated decay, truncation, or a dysfunctional protein product. This variant is rare in the general population with a frequency below the threshold expected for the associated phenotype(s). This variant has been observed in one or more individuals affected with the associated recessive disease, as either homozygous or compound heterozygous with a second variant (PMID: 32172616). Given the available evidence, this variant is classified as Pathogenic.

Greenwood Genetic Center Diagnostic Laboratories, Greenwood Genetic Center
Classification: Pathogenic for HBB-related disorder. Last evaluated: 2025-04-24. Review status: criteria provided, single submitter. Criteria: ACMG Guidelines, 2015. Collection method: clinical testing. Allele origin: germline. Affected: yes.
Comment: PVS1, PS3_Moderate, PM2

ARUP Laboratories, Molecular Genetics and Genomics, ARUP Laboratories
Classification: Pathogenic. Last evaluated: 2024-12-31. Review status: criteria provided, single submitter. Criteria: ARUP Molecular Germline Variant Investigation Process 2024. Collection method: clinical testing. Allele origin: germline.
Comment: The HBB c.323dupG; p.Asn109GlnfsTer32 variant (rs35225141, HbVar ID: 945), also known as c.321_322insG and Codon 106/107 (+G), has been reported in individuals with beta(0) thalassemia (Hoppe 2013), and found with another pathogenic HBB variant (Wong 1987). This variant is reported as pathogenic in ClinVar (Variation ID: 439153). It is only observed on two alleles in the Genome Aggregation Database, indicating it is not a common polymorphism. This variant causes a frameshift by duplicating a single nucleotide, so it is predicted to result in a truncated protein or mRNA subject to nonsense-mediated decay. Based on available information, this variant is considered to be pathogenic. References: Link to HbVar database: Hoppe CC. Prenatal and newborn screening for hemoglobinopathies. Int J Lab Hematol. 2013 Jun;35(3):297-305. PMID: 23590658. Wong C et al. Characterization of beta-thalassaemia mutations using direct genomic sequencing of amplified single copy DNA. Nature. 1987 Nov 26-Dec 2;330(6146):384-6. PMID: 3683554.

Fulgent Genetics
Classification: Pathogenic for Heinz body anemia; Hereditary persistence of fetal hemoglobin; Dominant beta-thalassemia; Hb SS disease; Malaria, susceptibility to; Beta-thalassemia HBB/LCRB; METHEMOGLOBINEMIA, BETA TYPE; Erythrocytosis, familial, 6. Last evaluated: 2024-01-24. Review status: criteria provided, single submitter. Criteria: ACMG Guidelines, 2015. Collection method: clinical testing. Allele origin: germline.

Labcorp Genetics (formerly Invitae), Labcorp
Classification: Pathogenic. Last evaluated: 2023-02-22. Review status: criteria provided, single submitter. Criteria: Invitae Variant Classification Sherloc (09022015). Collection method: clinical testing. Allele origin: germline.
Comment: ClinVar contains an entry for this variant (Variation ID: 439153). For these reasons, this variant has been classified as Pathogenic. This variant disrupts a region of the HBB protein in which other variant(s) (p.Val127Glufs*8) have been determined to be pathogenic (PMID: 8535446, 31190580). This suggests that this is a clinically significant region of the protein, and that variants that disrupt it are likely to be disease-causing. This premature translational stop signal has been observed in individual(s) with HBB-related conditions (PMID: 3683554). This variant is present in population databases (rs606231216, gnomAD 0.004%). This sequence change creates a premature translational stop signal (p.Asn109Glnfs*32) in the HBB gene. While this is not anticipated to result in nonsense mediated decay, it is expected to disrupt the last 39 amino acid(s) of the HBB protein.

Quest Diagnostics Nichols Institute San Juan Capistrano
Classification: Pathogenic. Last evaluated: 2022-10-12. Review status: criteria provided, single submitter. Criteria: Quest Diagnostics criteria. Collection method: clinical testing. Allele origin: unknown.
Comment: The HBB c.323dup (p.Asn109Glnfs*32) frameshift variant alters the translational reading frame of the HBB mRNA and causes the premature termination of HBB protein synthesis. In the published literature, the variant has been reported in individuals with beta-thalassemia (PMID: 3683554 (1987), 23590658 (2013)). Based on the available information, this variant is classified as pathogenic.

Women's Health and Genetics/Laboratory Corporation of America, LabCorp
Classification: Pathogenic for beta Thalassemia. Last evaluated: 2017-07-03. Review status: criteria provided, single submitter. Criteria: LabCorp Variant Classification Summary - May 2015. Collection method: clinical testing. Allele origin: germline.
Comment: Variant summary: The c.323dupG (p.Asn109Glnfs) variant in HBB gene is a frameshift change that is predicted to cause loss of normal protein function through protein truncation or nonsense-mediated mRNA decay. The variant is absent from the large control population dataset of ExAC, but is present at a low frequency in gnomAD dataset (0.000007; 2/276928 chrs tested), which does not exceed exceed the estimated maximal expected allele frequency of a pathogenic variant (0.011). The variant has been reported in several affected individuals presented with b-thalassemia major via published reports and is cited by reputable databases/clinical laboratories as Pathogenic. Taking together, the variant was classified as Pathogenic.

The ITHANET community portal, The Cyprus Institute of Neurology and Genetics
Classification: Pathogenic for beta Thalassemia. Last evaluated: 2019-11-25. Review status: no assertion criteria provided. Collection method: curation. Allele origin: germline. Not counted in ClinVar's aggregate classification.

OMIM
Classification: Pathogenic for BETA-ZERO-THALASSEMIA. Last evaluated: 1987-11-26. Review status: no assertion criteria provided. Collection method: literature only. Allele origin: germline. Not counted in ClinVar's aggregate classification.

Literature cited by the submitters: PubMed 32172616 (cited by Natera, Inc.); PubMed 8535446 (cited by Labcorp Genetics (formerly Invitae), Labcorp); PubMed 31190580 (cited by Labcorp Genetics (formerly Invitae), Labcorp); PubMed 3683554 (cited by 4 submitters); PubMed 1728311 (cited by Quest Diagnostics Nichols Institute San Juan Capistrano and Women's Health and Genetics/Laboratory Corporation of America, LabCorp); PubMed 23590658 (cited by Quest Diagnostics Nichols Institute San Juan Capistrano and Women's Health and Genetics/Laboratory Corporation of America, LabCorp); PubMed 21119755 (cited by Quest Diagnostics Nichols Institute San Juan Capistrano and Women's Health and Genetics/Laboratory Corporation of America, LabCorp); PubMed 19254853 (cited by Quest Diagnostics Nichols Institute San Juan Capistrano and Women's Health and Genetics/Laboratory Corporation of America, LabCorp); PubMed 18294253 (cited by Quest Diagnostics Nichols Institute San Juan Capistrano and Women's Health and Genetics/Laboratory Corporation of America, LabCorp); PubMed 20704537 (cited by Women's Health and Genetics/Laboratory Corporation of America, LabCorp); PubMed 12709369 (cited by Women's Health and Genetics/Laboratory Corporation of America, LabCorp); PubMed 1586746 (cited by Women's Health and Genetics/Laboratory Corporation of America, LabCorp); PubMed 7632967 (cited by Women's Health and Genetics/Laboratory Corporation of America, LabCorp); PubMed 1897518 (cited by Women's Health and Genetics/Laboratory Corporation of America, LabCorp); PubMed 9401495 (cited by Women's Health and Genetics/Laboratory Corporation of America, LabCorp); PubMed 2458145 (cited by Women's Health and Genetics/Laboratory Corporation of America, LabCorp); PubMed 9353871 (cited by The ITHANET community portal, The Cyprus Institute of Neurology and Genetics); PubMed 8477263 (cited by The ITHANET community portal, The Cyprus Institute of Neurology and Genetics).